The following is an entry in ClinVar:

NM_005883.3(APC2):c.1371G>A (p.Pro457=)

Gene: APC2 (APC regulator of Wnt signaling pathway 2; plus strand). Cytogenetic location: 19p13.3.
Variant type: single nucleotide variant.
Coding change: c.1371G>A on transcript NM_005883.3 (MANE Select); coding-DNA position 1371, G replaced by A.
Protein change: p.Pro457=; no amino-acid change (proline 457 retained).
Molecular consequence: synonymous variant.
Genome position (GRCh38, 1-based): chr19:1,460,248, G>A. VCF-style: chr19-1460248-G-A. GRCh37 (hg19) VCF-style: chr19-1460247-G-A.
Other names: c.1368G>A, p.Pro456= (NM_001351273.1); c.1371G>A (NM_005883.2).
Identifiers: ClinVar variation 1931003 (VCV001931003.6), dbSNP rs201204344, ClinGen allele CA9045048.

ClinVar aggregate classification (germline): Likely benign. Review status: criteria provided, multiple submitters, no conflicts (2 of 4 stars). 2 submissions from 2 submitters: Likely benign (2). Last evaluated 2026-02-03.

Conditions:
APC2-related disorder. Also called: APC2-Related Disorders; APC2-related condition.

Allele frequency attached by ClinVar (database versions not stated): ExAC 0.00002; gnomAD 0.00005; TOPMed 0.00005; gnomAD exomes 0.00006; 1000 Genomes Project 30x 0.00016; 1000 Genomes Project 0.00020.
gnomAD v4.1: 95 of 1,613,546 alleles (0.0059%); highest among the groups gnomAD compares: Middle Eastern, 0.25%; no homozygotes.

Submissions (2):

PreventionGenetics, part of Exact Sciences
Classification: Likely benign for APC2-related condition. Last evaluated: 2026-02-03. Review status: criteria provided, single submitter. Criteria: ACMG Guidelines, 2015. Collection method: clinical testing. Allele origin: germline.
Comment: This variant is classified as likely benign based on ACMG/AMP sequence variant interpretation guidelines (Richards et al. 2015 PMID: 25741868, with internal and published modifications).

Labcorp Genetics (formerly Invitae), Labcorp
Classification: Likely benign. Last evaluated: 2024-05-06. Review status: criteria provided, single submitter. Criteria: Invitae Variant Classification Sherloc (09022015). Collection method: clinical testing. Allele origin: germline.